The following is an entry in ClinVar:

ClinVar aggregate classification (germline): Conflicting classifications of pathogenicity. Review status: criteria provided, conflicting classifications (1 of 4 stars). 3 submissions from 3 submitters: Uncertain significance (1); Likely benign (1). 1 of the submissions does not count toward it. Last evaluated 2024-10-01.

Conditions:
SERPINA3-related disorder. Also called: SERPINA3-related condition.

Allele frequency attached by ClinVar (database versions not stated): gnomAD exomes 0.00022 and 0.00053; ExAC 0.00074; gnomAD 0.00082 and 0.00083; ESP Exome Variant Server 0.00092; 1000 Genomes Project 30x 0.00094; 1000 Genomes Project 0.00100; TOPMed 0.00100.
gnomAD v4.1: 457 of 1,614,096 alleles (0.028%); highest among the groups gnomAD compares: African/African-American, 0.26%; no homozygotes.

Submissions (3):

Ambry Genetics
Classification: Uncertain significance. Last evaluated: 2024-10-01. Review status: criteria provided, single submitter. Criteria: Ambry Variant Classification Scheme 2023. Collection method: clinical testing. Allele origin: germline.

Labcorp Genetics (formerly Invitae), Labcorp
Classification: Likely benign. Last evaluated: 2018-06-29. Review status: criteria provided, single submitter. Criteria: Invitae Variant Classification Sherloc (09022015). Collection method: clinical testing. Allele origin: germline.

PreventionGenetics, part of Exact Sciences
Classification: Likely benign for SERPINA3-related condition. Last evaluated: 2023-02-25. Review status: no assertion criteria provided. Collection method: clinical testing. Allele origin: germline. Not counted in ClinVar's aggregate classification.
Comment: This variant is classified as likely benign based on ACMG/AMP sequence variant interpretation guidelines (Richards et al. 2015 PMID: 25741868, with internal and published modifications).

NM_001085.5(SERPINA3):c.893G>A (p.Arg298Gln)

Gene: SERPINA3 (serpin family A member 3; plus strand). Cytogenetic location: 14q32.13.
Variant type: single nucleotide variant.
Coding change: c.893G>A on transcript NM_001085.5 (MANE Select); coding-DNA position 893, G replaced by A.
Protein change: p.Arg298Gln; replaces arginine 298 with glutamine.
Molecular consequence: missense variant.
Genome position (GRCh38, 1-based): chr14:94,619,444, G>A. VCF-style: chr14-94619444-G-A. GRCh37 (hg19) VCF-style: chr14-95085781-G-A.
Other names: short protein forms R298Q.
Identifiers: ClinVar variation 728783 (VCV000728783.6), dbSNP rs139747783, ClinGen allele CA7329916.